The following is an entry in ClinVar:

ClinVar aggregate classification (germline): Uncertain significance (1 of 4 stars; one submission).

Conditions:
Inborn genetic diseases. Identifiers: MedGen C0950123, MeSH D030342.

Allele frequency attached by ClinVar (database versions not stated): gnomAD exomes below 0.00001; TOPMed 0.00001.
gnomAD v4.1: 2 of 1,614,188 alleles (0.00012%); highest among the groups gnomAD compares: Non-Finnish European, 0.00017%; no homozygotes.

Submission:

Ambry Genetics
Classification: Uncertain significance for Inborn genetic diseases. Last evaluated: 2021-07-18. Review status: criteria provided, single submitter. Criteria: Ambry Variant Classification Scheme 2023. Collection method: clinical testing. Allele origin: germline.
Comment: The p.N178K variant (also known as c.534C>A), located in coding exon 5 of the MDH2 gene, results from a C to A substitution at nucleotide position 534. The asparagine at codon 178 is replaced by lysine, an amino acid with similar properties. This amino acid position is conserved. In addition, this alteration is predicted to be tolerated by in silico analysis. Since supporting evidence is limited at this time, the clinical significance of this alteration remains unclear.

NM_005918.4(MDH2):c.534C>A (p.Asn178Lys)

Gene: MDH2 (malate dehydrogenase 2; plus strand). Cytogenetic location: 7q11.23.
Variant type: single nucleotide variant.
Coding change: c.534C>A on transcript NM_005918.4 (MANE Select); coding-DNA position 534, C replaced by A.
Protein change: p.Asn178Lys; replaces asparagine 178 with lysine.
Molecular consequence: missense variant. On other transcripts: intron variant (1).
Genome position (GRCh38, 1-based): chr7:76,060,477, C>A. VCF-style: chr7-76060477-C-A. GRCh37 (hg19) VCF-style: chr7-75689795-C-A.
Other names: c.213C>A, p.Asn71Lys (NM_001282404.2); c.429+2399C>A (NM_001282403.2); short protein forms N71K, N178K.
Identifiers: ClinVar variation 1746973 (VCV001746973.2), dbSNP rs1313496873, ClinGen allele CA367765117.